The following is an entry in ClinVar:

NM_004991.4(MECOM):c.2330T>C (p.Met777Thr)

Gene: MECOM (MDS1 and EVI1 complex locus; minus strand). Cytogenetic location: 3q26.2.
Variant type: single nucleotide variant.
Coding change: c.2330T>C on transcript NM_004991.4 (MANE Select); coding-DNA position 2330, T replaced by C.
Protein change: p.Met777Thr; replaces methionine 777 with threonine.
Molecular consequence: missense variant.
Genome position (GRCh38, 1-based): chr3:169,115,542, A>G on the plus strand (T>C on the coding strand, the complement: MECOM is on the minus strand). VCF-style: chr3-169115542-A-G. GRCh37 (hg19) VCF-style: chr3-168833330-A-G.
Other names: c.1961T>C, p.Met654Thr (NM_001105077.4); c.1766T>C, p.Met589Thr (NM_001105078.4, NM_001164000.2, NM_001205194.2 and 4 more transcripts); c.1769T>C, p.Met590Thr (NM_001163999.2, NM_001366467.2, NM_001366468.2 and 1 more transcripts); c.2330T>C, p.Met777Thr (NM_001366466.2); c.1358T>C, p.Met453Thr (NM_001366473.2); c.794T>C, p.Met265Thr (NM_001366474.2); short protein forms M777T, M453T, M590T, M265T, M654T, M589T.
Identifiers: ClinVar variation 4053176 (VCV004053176.1).

ClinVar aggregate classification (germline): Uncertain significance (1 of 4 stars; one submission).

Conditions:
Inborn genetic diseases. Identifiers: MedGen C0950123, MeSH D030342.

gnomAD v4.1: 1 of 1,614,048 alleles (0.000062%); highest among the groups gnomAD compares: Non-Finnish European, 0.000085%; no homozygotes.

Submission:

Ambry Genetics
Classification: Uncertain significance for Inborn genetic diseases. Last evaluated: 2025-04-12. Review status: criteria provided, single submitter. Criteria: Ambry Variant Classification Scheme 2023. Collection method: clinical testing. Allele origin: germline.
Comment: The p.M777T variant (also known as c.2330T>C), located in coding exon 8 of the MECOM gene, results from a T to C substitution at nucleotide position 2330. The methionine at codon 777 is replaced by threonine, an amino acid with similar properties. This amino acid position is conserved. In addition, this alteration is predicted to be tolerated by in silico analysis. Based on the available evidence, the clinical significance of this variant remains unclear.